The following is an entry in ClinVar:

ClinVar aggregate classification (germline): Uncertain significance (1 of 4 stars; one submission).

Submission:

Ambry Genetics
Classification: Uncertain significance. Last evaluated: 2025-06-09. Review status: criteria provided, single submitter. Criteria: Ambry Variant Classification Scheme 2023. Collection method: clinical testing. Allele origin: germline.
Comment: The p.P652L variant (also known as c.1955C>T), located in coding exon 8 of the RNF43 gene, results from a C to T substitution at nucleotide position 1955. The proline at codon 652 is replaced by leucine, an amino acid with similar properties. This amino acid position is conserved. In addition, this alteration is predicted to be tolerated by in silico analysis. Based on the available evidence, the clinical significance of this variant remains unclear.

NM_017763.6(RNF43):c.1955C>T (p.Pro652Leu)

Gene: RNF43 (ring finger protein 43; minus strand). Cytogenetic location: 17q22.
Variant type: single nucleotide variant.
Coding change: c.1955C>T on transcript NM_017763.6 (MANE Select); coding-DNA position 1955, C replaced by T.
Protein change: p.Pro652Leu; replaces proline 652 with leucine.
Molecular consequence: missense variant.
Genome position (GRCh38, 1-based): chr17:58,357,821, G>A on the plus strand (C>T on the coding strand, the complement: RNF43 is on the minus strand). VCF-style: chr17-58357821-G-A. GRCh37 (hg19) VCF-style: chr17-56435182-G-A.
Other names: c.1955C>T, p.Pro652Leu (NM_001305544.3); c.1574C>T, p.Pro525Leu (NM_001305545.2); short protein forms P652L, P525L.
Identifiers: ClinVar variation 3946938 (VCV003946938.1).